The following is an entry in ClinVar:

NM_021096.4(CACNA1I):c.968A>T (p.Tyr323Phe)

Gene: CACNA1I (calcium voltage-gated channel subunit alpha1 I; plus strand). Cytogenetic location: 22q13.1.
Variant type: single nucleotide variant.
Coding change: c.968A>T on transcript NM_021096.4 (MANE Select); coding-DNA position 968, A replaced by T.
Protein change: p.Tyr323Phe; replaces tyrosine 323 with phenylalanine.
Molecular consequence: missense variant.
Genome position (GRCh38, 1-based): chr22:39,641,094, A>T. VCF-style: chr22-39641094-A-T. GRCh37 (hg19) VCF-style: chr22-40037099-A-T.
Other names: c.968A>T, p.Tyr323Phe (NM_001003406.2); short protein forms Y323F.
Identifiers: ClinVar variation 1697012 (VCV001697012.2), dbSNP rs2146419851, ClinGen allele CA411637641.

ClinVar aggregate classification (germline): Uncertain significance (1 of 4 stars; one submission).

Submission:

GeneDx
Classification: Uncertain significance. Last evaluated: 2022-01-14. Review status: criteria provided, single submitter. Criteria: GeneDx Variant Classification Process June 2021. Collection method: clinical testing. Allele origin: germline. Affected: yes.
Comment: Not observed at significant frequency in large population cohorts (gnomAD); In silico analysis supports that this missense variant has a deleterious effect on protein structure/function; Has not been previously published as pathogenic or benign to our knowledge